The following is an entry in ClinVar:

NM_172364.5(CACNA2D4):c.2089C>T (p.Arg697Trp)

Gene: CACNA2D4 (calcium voltage-gated channel auxiliary subunit alpha2delta 4; minus strand). Cytogenetic location: 12p13.33.
Variant type: single nucleotide variant.
Coding change: c.2089C>T on transcript NM_172364.5 (MANE Select); coding-DNA position 2089, C replaced by T.
Protein change: p.Arg697Trp; replaces arginine 697 with tryptophan.
Molecular consequence: missense variant.
Genome position (GRCh38, 1-based): chr12:1,856,075, G>A on the plus strand (C>T on the coding strand, the complement: CACNA2D4 is on the minus strand). VCF-style: chr12-1856075-G-A. GRCh37 (hg19) VCF-style: chr12-1965241-G-A.
Other names: short protein forms R697W.
Identifiers: ClinVar variation 853011 (VCV000853011.9), dbSNP rs369242248, ClinGen allele CA6386848.

ClinVar aggregate classification (germline): Uncertain significance. Review status: criteria provided, multiple submitters, no conflicts (2 of 4 stars). 3 submissions from 3 submitters: Uncertain significance (3). Last evaluated 2025-11-18.

Allele frequency attached by ClinVar (database versions not stated): gnomAD exomes 0.00006; ExAC 0.00007; ESP Exome Variant Server 0.00008; gnomAD 0.00009 and 0.00011; TOPMed 0.00009.
gnomAD v4.1: 82 of 1,613,892 alleles (0.0051%); highest among the groups gnomAD compares: African/African-American, 0.02%; no homozygotes.

Submissions (3):

Labcorp Genetics (formerly Invitae), Labcorp
Classification: Uncertain significance. Last evaluated: 2025-11-18. Review status: criteria provided, single submitter. Criteria: Invitae Variant Classification Sherloc (09022015). Collection method: clinical testing. Allele origin: germline.
Comment: This sequence change replaces arginine, which is basic and polar, with tryptophan, which is neutral and slightly polar, at codon 697 of the CACNA2D4 protein (p.Arg697Trp). This variant is present in population databases (rs369242248, gnomAD 0.02%). This variant has not been reported in the literature in individuals affected with CACNA2D4-related conditions. ClinVar contains an entry for this variant (Variation ID: 853011). An algorithm developed to predict the effect of missense changes on protein structure and function (PolyPhen-2) suggests that this variant is likely to be disruptive. In summary, the available evidence is currently insufficient to determine the role of this variant in disease. Therefore, it has been classified as a Variant of Uncertain Significance.

Blueprint Genetics
Classification: Uncertain significance. Last evaluated: 2024-10-11. Review status: criteria provided, single submitter. Criteria: ACMG Guidelines, 2015. Collection method: clinical testing. Allele origin: germline.

Breakthrough Genomics
Classification: Uncertain significance. Review status: criteria provided, single submitter. Criteria: ACMG Guidelines, 2015. Collection method: not provided. Allele origin: germline. Inheritance: Autosomal recessive inheritance. Affected: yes.